The following is an entry in ClinVar:

NM_024675.4(PALB2):c.2568A>C (p.Gln856His)

Gene: PALB2 (partner and localizer of BRCA2; minus strand). Cytogenetic location: 16p12.2.
Variant type: single nucleotide variant.
Coding change: c.2568A>C on transcript NM_024675.4 (MANE Select); coding-DNA position 2568, A replaced by C.
Protein change: p.Gln856His; replaces glutamine 856 with histidine.
Molecular consequence: missense variant.
Genome position (GRCh38, 1-based): chr16:23,629,222, T>G on the plus strand (A>C on the coding strand, the complement: PALB2 is on the minus strand). VCF-style: chr16-23629222-T-G. GRCh37 (hg19) VCF-style: chr16-23640543-T-G.
Other names: short protein forms Q856H.
Identifiers: ClinVar variation 141385 (VCV000141385.22), dbSNP rs587781708, ClinGen allele CA165280.
Genomic context (GRCh38, chr16:23,629,222, plus strand): 5'-ATATGTAAGACACGAGACACTGGAAGAGAATATTCTTCTGACCTTTAACTCTGAAACCAA[T>G]TGTAGGTTGCCTGGGTTTATGCTATCAGAAGCAGGAAGCTCTGCTGTTTCAGTCTGTGAA-3'
Protein context (NP_078951.2, residues 846-866): ASDSINPGNL[Gln856His]LVSELKNPSG

ClinVar aggregate classification (germline): Uncertain significance. Review status: criteria provided, multiple submitters, no conflicts (2 of 4 stars). 6 submissions from 6 submitters: Uncertain significance (6). Last evaluated 2024-12-12.

Conditions:
Hereditary cancer-predisposing syndrome. Also called: Neoplastic Syndromes, Hereditary; Tumor predisposition; Hereditary Cancer Syndrome; Hereditary neoplastic syndrome. Identifiers: Orphanet 140162, MedGen C0027672, MeSH D009386, MONDO:0015356.
Familial cancer of breast. Also called: BREAST CANCER, FAMILIAL; Hereditary breast cancer; hereditary breast carcinoma. Identifiers: Orphanet 227535, MedGen C0346153, MONDO:0016419, OMIM 114480. Disease mechanism: loss of function.

Allele frequency attached by ClinVar (database versions not stated): gnomAD 0.00001; TOPMed 0.00001.
gnomAD v4.1: 1 of 1,613,366 alleles (0.000062%); highest among the groups gnomAD compares: Admixed American, 0.0017%; no homozygotes.

Submissions (6):

Labcorp Genetics (formerly Invitae), Labcorp
Classification: Uncertain significance for Familial cancer of breast. Last evaluated: 2024-12-12. Review status: criteria provided, single submitter. Criteria: Invitae Variant Classification Sherloc (09022015). Collection method: clinical testing. Allele origin: germline.
Comment: This sequence change replaces glutamine, which is neutral and polar, with histidine, which is basic and polar, at codon 856 of the PALB2 protein (p.Gln856His). This variant is not present in population databases (gnomAD no frequency). This variant has not been reported in the literature in individuals affected with PALB2-related conditions. ClinVar contains an entry for this variant (Variation ID: 141385). Invitae Evidence Modeling of protein sequence and biophysical properties (such as structural, functional, and spatial information, amino acid conservation, physicochemical variation, residue mobility, and thermodynamic stability) indicates that this missense variant is not expected to disrupt PALB2 protein function with a negative predictive value of 80%. In summary, the available evidence is currently insufficient to determine the role of this variant in disease. Therefore, it has been classified as a Variant of Uncertain Significance.

Ambry Genetics
Classification: Uncertain significance for Hereditary cancer-predisposing syndrome. Last evaluated: 2024-08-24. Review status: criteria provided, single submitter. Criteria: Ambry Variant Classification Scheme 2023. Collection method: clinical testing. Allele origin: germline.
Comment: The p.Q856H variant (also known as c.2568A>C), located in coding exon 6 of the PALB2 gene, results from an A to C substitution at nucleotide position 2568. The glutamine at codon 856 is replaced by histidine, an amino acid with highly similar properties. This amino acid position is well conserved in available vertebrate species. In addition, this alteration is predicted to be tolerated by in silico analysis. Since supporting evidence is limited at this time, the clinical significance of this alteration remains unclear.

ARUP Laboratories, Molecular Genetics and Genomics, ARUP Laboratories
Classification: Uncertain significance. Last evaluated: 2024-07-09. Review status: criteria provided, single submitter. Criteria: ARUP Molecular Germline Variant Investigation Process 2024. Collection method: clinical testing. Allele origin: germline.
Comment: The PALB2 c.2568A>C; p.Gln856His variant (rs587781708), to our knowledge, is not reported in the medical literature but is reported in ClinVar (Variation ID: 141385). This variant is absent from the Genome Aggregation Database (v2.1.1), indicating it is not a common polymorphism. Computational analyses predict that this variant is neutral (REVEL: 0.034). Due to limited information, the clinical significance of this variant is uncertain at this time.

Baylor Genetics
Classification: Uncertain significance for Familial cancer of breast. Last evaluated: 2023-10-13. Review status: criteria provided, single submitter. Criteria: ACMG Guidelines, 2015. Collection method: clinical testing. Allele origin: unknown.

Quest Diagnostics Nichols Institute San Juan Capistrano
Classification: Uncertain significance. Last evaluated: 2023-04-18. Review status: criteria provided, single submitter. Criteria: Quest Diagnostics criteria. Collection method: clinical testing. Allele origin: unknown.
Comment: The variant has not been reported in the published literature. The frequency of this variant in the general population, 0.0000066 (1/152194 chromosomes), is uninformative in assessment of its pathogenicity. Analysis of this variant using bioinformatics tools for the prediction of the effect of amino acid changes on protein structure and function yielded predictions that this variant is benign. Based on the available information, we are unable to determine the clinical significance of this variant.

GeneDx
Classification: Uncertain significance. Last evaluated: 2016-07-22. Review status: criteria provided, single submitter. Criteria: GeneDx Variant Classification (06012015). Collection method: clinical testing. Allele origin: germline. Affected: yes.
Comment: This variant is denoted PALB2 c.2568A>C at the cDNA level, p.Gln856His (Q856H) at the protein level, and results in the change of a Glutamine to a Histidine (CAA>CAC). This variant has not, to our knowledge, been published in the literature as pathogenic or benign. PALB2 Gln856His was not observed in approximately 6,500 individuals of European and African American ancestry in the NHLBI Exome Sequencing Project, suggesting it is not a common benign variant in these populations. Since Glutamine and Histidine differ in some properties, this is considered a semi-conservative amino acid substitution. PALB2 Gln856His occurs at a position that is not conserved and is located in the first WD repeat, a region of interaction with RAD51, BRCA2 and POLH, and in the region required for POLH DNA synthesis stimulation (Uniprot). In silico analyses predict that this variant is unlikely to alter protein structure or function. Based on currently available evidence, it is unclear whether PALB2 Gln856His is a pathogenic or benign variant. We consider it to be a variant of uncertain significance.